The following is an entry in ClinVar:

ClinVar aggregate classification (germline): Likely pathogenic (1 of 4 stars; one submission).

Conditions:
Marinesco-Sjögren syndrome (MSS). Also called: Marinesco-SjÃ¶gren syndrome; Marinesco-Sjogren Syndrome. Identifiers: Orphanet 559, MedGen C0024814, MONDO:0009567, OMIM 248800.

Submission:

Labcorp Genetics (formerly Invitae), Labcorp
Classification: Likely pathogenic for Marinesco-Sjögren syndrome. Last evaluated: 2022-09-27. Review status: criteria provided, single submitter. Criteria: Invitae Variant Classification Sherloc (09022015). Collection method: clinical testing. Allele origin: germline.
Comment: This variant is not present in population databases (gnomAD no frequency). This variant results in the deletion of part of exon 6 (c.643_645+21del) of the SIL1 gene. It is expected to disrupt RNA splicing. Variants that disrupt the donor or acceptor splice site typically lead to a loss of protein function (PMID: 16199547), and loss-of-function variants in SIL1 are known to be pathogenic (PMID: 16282977, 24176978). This variant has not been reported in the literature in individuals affected with SIL1-related conditions. Algorithms developed to predict the effect of sequence changes on RNA splicing suggest that this variant may disrupt the consensus splice site. In summary, the currently available evidence indicates that the variant is pathogenic, but additional data are needed to prove that conclusively. Therefore, this variant has been classified as Likely Pathogenic.

Literature cited by the submitters: PubMed 16199547; PubMed 16282977; PubMed 24176978.

NM_022464.5(SIL1):c.643_645+21del

Gene: SIL1 (SIL1 nucleotide exchange factor; minus strand). Cytogenetic location: 5q31.2.
Variant type: Deletion.
Coding change: c.643_645+21del on transcript NM_022464.5 (MANE Select); coding-DNA position 643 through 21 bases into the intron after coding-DNA position 645, 24 bases deleted (CAGGTACTGTATTTCTTCGTCCAT).
Molecular consequence: splice donor variant.
Genome position (GRCh38, 1-based): chr5:139,026,780-139,026,803, ATGGACGAAGAAATACAGTACCTG deleted on the plus strand (CAGGTACTGTATTTCTTCGTCCAT on the coding strand, the reverse complement: SIL1 is on the minus strand); deleting any 24 consecutive bases within chr5:139,026,780-139,026,809 gives the same sequence; the c. name uses the placement nearest the transcript's 3' end. VCF-style (leftmost placement, unchanged base first): chr5-139026779-TATGGACGAAGAAATACAGTACCTG-T. GRCh37 (hg19) VCF-style: chr5-138362468-TATGGACGAAGAAATACAGTACCTG-T.
Other names: c.643_645+21del (NM_001037633.2).
Identifiers: ClinVar variation 2090726 (VCV002090726.4), dbSNP rs2546345169, ClinGen allele CA2580072901.